The following is an entry in ClinVar:

ClinVar aggregate classification (germline): Pathogenic (1 of 4 stars; one submission).

Conditions:
Joubert syndrome. Also called: CEREBELLOPARENCHYMAL DISORDER IV; JOUBERT-BOLTSHAUSER SYNDROME; Familial aplasia of the vermis. Identifiers: Orphanet 475, MedGen C5979921, MONDO:0018772.
Meckel-Gruber syndrome. Also called: DYSENCEPHALIA SPLANCHNOCYSTICA; GRUBER SYNDROME; Dysencephalia splachnocystica. Identifiers: Orphanet 564, MedGen C0265215, MONDO:0018921.
Nephronophthisis. Also called: Juvenile Nephronophthisis. Identifiers: Orphanet 655, MedGen C0687120, MONDO:0019005, HP:0000090.

Submission:

Labcorp Genetics (formerly Invitae), Labcorp
Classification: Pathogenic for Joubert syndrome; Meckel-Gruber syndrome; Nephronophthisis. Last evaluated: 2022-08-22. Review status: criteria provided, single submitter. Criteria: Invitae Variant Classification Sherloc (09022015). Collection method: clinical testing. Allele origin: germline.
Comment: This sequence change creates a premature translational stop signal (p.Val507Cysfs*4) in the CEP290 gene. It is expected to result in an absent or disrupted protein product. Loss-of-function variants in CEP290 are known to be pathogenic (PMID: 16909394, 17345604, 20690115). This variant is not present in population databases (gnomAD no frequency). This variant has not been reported in the literature in individuals affected with CEP290-related conditions. Algorithms developed to predict the effect of sequence changes on RNA splicing suggest that this variant may disrupt the consensus splice site. For these reasons, this variant has been classified as Pathogenic.

Literature cited by the submitters: PubMed 16909394; PubMed 17345604; PubMed 20690115.

NM_025114.4(CEP290):c.1518dup (p.Val507fs)

Gene: CEP290 (centrosomal protein 290; minus strand). Cytogenetic location: 12q21.32.
Variant type: Duplication.
Coding change: c.1518dup on transcript NM_025114.4 (MANE Select); coding-DNA position 1518, one base duplicated (T; older notation c.1518dupT).
Protein change: p.Val507fs; shifts the reading frame from valine 507.
Molecular consequence: frameshift variant.
Genome position (GRCh38, 1-based): chr12:88,120,118, A duplicated on the plus strand (T on the coding strand, the reverse complement: CEP290 is on the minus strand). VCF-style (leftmost placement, unchanged base first): chr12-88120117-C-CA. GRCh37 (hg19) VCF-style: chr12-88513894-C-CA.
Other names: short protein forms V507fs.
Identifiers: ClinVar variation 1978686 (VCV001978686.4), dbSNP rs2501035387, ClinGen allele CA2580086746.